The following is an entry in ClinVar:

ClinVar aggregate classification (germline): Likely benign (1 of 4 stars; one submission).

Allele frequency attached by ClinVar (database versions not stated): gnomAD exomes below 0.00001; ExAC 0.00001; gnomAD 0.00001; TOPMed 0.00001.
gnomAD v4.1: 2 of 1,614,148 alleles (0.00012%); highest among the groups gnomAD compares: African/African-American, 0.0013%; no homozygotes.

Submission:

CeGaT Center for Human Genetics Tuebingen
Classification: Likely benign. Last evaluated: 2024-02-01. Review status: criteria provided, single submitter. Criteria: CeGaT Center For Human Genetics Tuebingen Variant Classification Criteria Version 2. Collection method: clinical testing. Allele origin: germline. Affected: yes. Observed: 1 variant allele.
Comment: HERC2: BP4, BP7

NM_004667.6(HERC2):c.2250A>G (p.Pro750=)

Gene: HERC2 (HECT and RLD domain containing E3 ubiquitin protein ligase 2; minus strand). Cytogenetic location: 15q13.1.
Variant type: single nucleotide variant.
Coding change: c.2250A>G on transcript NM_004667.6 (MANE Select); coding-DNA position 2250, A replaced by G.
Protein change: p.Pro750=; no amino-acid change (proline 750 retained).
Molecular consequence: synonymous variant.
Genome position (GRCh38, 1-based): chr15:28,260,843, T>C on the plus strand (A>G on the coding strand, the complement: HERC2 is on the minus strand). VCF-style: chr15-28260843-T-C. GRCh37 (hg19) VCF-style: chr15-28505989-T-C.
Identifiers: ClinVar variation 3026247 (VCV003026247.22), dbSNP rs773056325, ClinGen allele CA7443244.